The following is an entry in ClinVar:

NM_145290.4(ADGRA3):c.23G>A (p.Arg8Gln)

Gene: ADGRA3 (adhesion G protein-coupled receptor A3; minus strand). Cytogenetic location: 4p15.2.
Variant type: single nucleotide variant.
Coding change: c.23G>A on transcript NM_145290.4 (MANE Select); coding-DNA position 23, G replaced by A.
Protein change: p.Arg8Gln; replaces arginine 8 with glutamine.
Molecular consequence: missense variant.
Genome position (GRCh38, 1-based): chr4:22,515,762, C>T on the plus strand (G>A on the coding strand, the complement: ADGRA3 is on the minus strand). VCF-style: chr4-22515762-C-T. GRCh37 (hg19) VCF-style: chr4-22517385-C-T.
Other names: short protein forms R8Q.
Identifiers: ClinVar variation 2016561 (VCV002016561.4), dbSNP rs2474932154, ClinGen allele CA356507998.

ClinVar aggregate classification (germline): Uncertain significance (1 of 4 stars; one submission).

Submission:

Labcorp Genetics (formerly Invitae), Labcorp
Classification: Uncertain significance. Last evaluated: 2024-10-22. Review status: criteria provided, single submitter. Criteria: Invitae Variant Classification Sherloc (09022015). Collection method: clinical testing. Allele origin: germline.
Comment: This sequence change replaces arginine, which is basic and polar, with glutamine, which is neutral and polar, at codon 8 of the ADGRA3 protein (p.Arg8Gln). The frequency data for this variant in the population databases is considered unreliable, as metrics indicate insufficient coverage at this position in the gnomAD database. This variant has not been reported in the literature in individuals affected with ADGRA3-related conditions. ClinVar contains an entry for this variant (Variation ID: 2016561). Experimental studies and prediction algorithms are not available or were not evaluated, and the functional significance of this variant is currently unknown. In summary, the available evidence is currently insufficient to determine the role of this variant in disease. Therefore, it has been classified as a Variant of Uncertain Significance.